The following is an entry in ClinVar:

ClinVar aggregate classification (germline): Uncertain significance. Review status: criteria provided, multiple submitters, no conflicts (2 of 4 stars). 2 submissions from 2 submitters: Uncertain significance (2). Last evaluated 2022-05-27.

Conditions:
Familial cancer of breast. Also called: BREAST CANCER, FAMILIAL; hereditary breast carcinoma; Hereditary breast cancer. Identifiers: Orphanet 227535, MedGen C0346153, MONDO:0016419, OMIM 114480. Disease mechanism: loss of function.
Hereditary cancer-predisposing syndrome. Also called: Neoplastic Syndromes, Hereditary; Hereditary Cancer Syndrome; Hereditary neoplastic syndrome; Tumor predisposition. Identifiers: Orphanet 140162, MedGen C0027672, MeSH D009386, MONDO:0015356.

Submissions (2):

Labcorp Genetics (formerly Invitae), Labcorp
Classification: Uncertain significance for Familial cancer of breast. Last evaluated: 2022-05-27. Review status: criteria provided, single submitter. Criteria: Invitae Variant Classification Sherloc (09022015). Collection method: clinical testing. Allele origin: germline.
Comment: This sequence change replaces serine, which is neutral and polar, with proline, which is neutral and non-polar, at codon 241 of the BARD1 protein (p.Ser241Pro). This variant is not present in population databases (gnomAD no frequency). This variant has not been reported in the literature in individuals affected with BARD1-related conditions. ClinVar contains an entry for this variant (Variation ID: 479153). Algorithms developed to predict the effect of missense changes on protein structure and function are either unavailable or do not agree on the potential impact of this missense change (SIFT: "Tolerated"; PolyPhen-2: "Possibly Damaging"; Align-GVGD: "Class C0"). In summary, the available evidence is currently insufficient to determine the role of this variant in disease. Therefore, it has been classified as a Variant of Uncertain Significance.

Ambry Genetics
Classification: Uncertain significance for Hereditary cancer-predisposing syndrome. Last evaluated: 2022-03-10. Review status: criteria provided, single submitter. Criteria: Ambry Variant Classification Scheme 2023. Collection method: clinical testing. Allele origin: germline.
Comment: The p.S241P variant (also known as c.721T>C), located in coding exon 4 of the BARD1 gene, results from a T to C substitution at nucleotide position 721. The serine at codon 241 is replaced by proline, an amino acid with similar properties. This amino acid position is well conserved in available vertebrate species. In addition, the in silico prediction for this alteration is inconclusive. Since supporting evidence is limited at this time, the clinical significance of this alteration remains unclear.

NM_000465.4(BARD1):c.721T>C (p.Ser241Pro)

Gene: BARD1 (BRCA1 associated RING domain 1; minus strand). Cytogenetic location: 2q35.
Variant type: single nucleotide variant.
Coding change: c.721T>C on transcript NM_000465.4 (MANE Select); coding-DNA position 721, T replaced by C.
Protein change: p.Ser241Pro; replaces serine 241 with proline.
Molecular consequence: missense variant. On other transcripts: non-coding transcript variant (2), intron variant (3).
Genome position (GRCh38, 1-based): chr2:214,781,153, A>G on the plus strand (T>C on the coding strand, the complement: BARD1 is on the minus strand). VCF-style: chr2-214781153-A-G. GRCh37 (hg19) VCF-style: chr2-215645877-A-G.
Other names: c.664T>C, p.Ser222Pro (NM_001282543.2); c.158+28259T>C (NM_001282548.2); c.215+15908T>C (NM_001282545.2); c.364+11144T>C (NM_001282549.2); short protein forms S241P, S222P.
Identifiers: ClinVar variation 479153 (VCV000479153.11), dbSNP rs1553622496, ClinGen allele CA350456259.